The following is an entry in ClinVar:

ClinVar aggregate classification (germline): Uncertain significance. Review status: criteria provided, multiple submitters, no conflicts (2 of 4 stars). 2 submissions from 2 submitters: Uncertain significance (2). Last evaluated 2021-12-03.

Conditions:
Congenital myasthenic syndrome 14. Also called: Myasthenic syndrome, congenital, 14, with tubular aggregates. Identifiers: Orphanet 353327, Orphanet 590, MedGen C4015597, MONDO:0014543, OMIM 616228.
Congenital disorder of glycosylation, type Ii. Also called: ALG2-CDG; CDG Ii; ALG2-congenital disorder of glycosylation. Identifiers: Orphanet 79326, MedGen C1842836, MONDO:0011933, OMIM 607906.

Allele frequency attached by ClinVar (database versions not stated): gnomAD exomes 0.00006; TOPMed 0.00006; gnomAD 0.00007 and 0.00008; ESP Exome Variant Server 0.00008; ExAC 0.00003.

Submissions (2):

Labcorp Genetics (formerly Invitae), Labcorp
Classification: Uncertain significance for Congenital disorder of glycosylation, type Ii; Congenital myasthenic syndrome 14. Last evaluated: 2021-12-03. Review status: criteria provided, single submitter. Criteria: Invitae Variant Classification Sherloc (09022015). Collection method: clinical testing. Allele origin: germline.
Comment: This sequence change replaces arginine, which is basic and polar, with glutamine, which is neutral and polar, at codon 130 of the ALG2 protein (p.Arg130Gln). This variant is present in population databases (rs143625172, gnomAD 0.02%). This variant has not been reported in the literature in individuals affected with ALG2-related conditions. ClinVar contains an entry for this variant (Variation ID: 1017971). Algorithms developed to predict the effect of missense changes on protein structure and function (SIFT, PolyPhen-2, Align-GVGD) all suggest that this variant is likely to be tolerated. In summary, the available evidence is currently insufficient to determine the role of this variant in disease. Therefore, it has been classified as a Variant of Uncertain Significance.

Institute for Clinical Genetics, University Hospital TU Dresden, University Hospital TU Dresden
Classification: Uncertain significance. Last evaluated: 2021-11-03. Review status: criteria provided, single submitter. Criteria: ACMG Guidelines, 2015. Collection method: clinical testing. Allele origin: germline.

NM_033087.4(ALG2):c.389G>A (p.Arg130Gln)

Gene: ALG2 (ALG2 alpha-1,3/1,6-mannosyltransferase; minus strand). Cytogenetic location: 9q22.33.
Variant type: single nucleotide variant.
Coding change: c.389G>A on transcript NM_033087.4 (MANE Select); coding-DNA position 389, G replaced by A.
Protein change: p.Arg130Gln; replaces arginine 130 with glutamine.
Molecular consequence: missense variant. On other transcripts: non-coding transcript variant (1).
Genome position (GRCh38, 1-based): chr9:99,218,796, C>T on the plus strand (G>A on the coding strand, the complement: ALG2 is on the minus strand). VCF-style: chr9-99218796-C-T. GRCh37 (hg19) VCF-style: chr9-101981078-C-T.
Other names: short protein forms R130Q.
Identifiers: ClinVar variation 1017971 (VCV001017971.6), dbSNP rs143625172, ClinGen allele CA5156332.